The following is an entry in ClinVar:

ClinVar aggregate classification (germline): Uncertain significance. Review status: criteria provided, multiple submitters, no conflicts (2 of 4 stars). 2 submissions from 2 submitters: Uncertain significance (2). Last evaluated 2024-10-04.

Allele frequency attached by ClinVar (database versions not stated): ExAC 0.00001; gnomAD 0.00001; gnomAD exomes 0.00001; TOPMed 0.00001.
gnomAD v4.1: 12 of 1,613,958 alleles (0.00074%); highest among the groups gnomAD compares: South Asian, 0.0044%; no homozygotes.

Submissions (2):

Blueprint Genetics
Classification: Uncertain significance. Last evaluated: 2024-10-04. Review status: criteria provided, single submitter. Criteria: ACMG Guidelines, 2015. Collection method: clinical testing. Allele origin: germline.

Labcorp Genetics (formerly Invitae), Labcorp
Classification: Uncertain significance. Last evaluated: 2022-05-20. Review status: criteria provided, single submitter. Criteria: Invitae Variant Classification Sherloc (09022015). Collection method: clinical testing. Allele origin: germline.
Comment: In summary, the available evidence is currently insufficient to determine the role of this variant in disease. Therefore, it has been classified as a Variant of Uncertain Significance. Advanced modeling of protein sequence and biophysical properties (such as structural, functional, and spatial information, amino acid conservation, physicochemical variation, residue mobility, and thermodynamic stability) performed at Invitae indicates that this missense variant is not expected to disrupt CYP4V2 protein function. This variant has not been reported in the literature in individuals affected with CYP4V2-related conditions. This variant is present in population databases (rs751253268, gnomAD 0.006%). This sequence change replaces alanine, which is neutral and non-polar, with valine, which is neutral and non-polar, at codon 399 of the CYP4V2 protein (p.Ala399Val).

NM_207352.4(CYP4V2):c.1196C>T (p.Ala399Val)

Gene: CYP4V2 (cytochrome P450 family 4 subfamily V member 2; plus strand). Cytogenetic location: 4q35.2.
Variant type: single nucleotide variant.
Coding change: c.1196C>T on transcript NM_207352.4 (MANE Select); coding-DNA position 1196, C replaced by T.
Protein change: p.Ala399Val; replaces alanine 399 with valine.
Molecular consequence: missense variant.
Genome position (GRCh38, 1-based): chr4:186,208,970, C>T. VCF-style: chr4-186208970-C-T. GRCh37 (hg19) VCF-style: chr4-187130124-C-T.
Other names: short protein forms A399V.
Identifiers: ClinVar variation 1908107 (VCV001908107.6), dbSNP rs751253268, ClinGen allele CA3162782.